The following is an entry in ClinVar:

ClinVar aggregate classification (germline): Likely benign (0 of 4 stars; one submission).

Conditions:
CENPJ-related disorder. Also called: CENPJ-related condition; CENPJ-related disorders.

Submission:

PreventionGenetics, part of Exact Sciences
Classification: Likely benign for CENPJ-related condition. Last evaluated: 2019-02-21. Review status: no assertion criteria provided. Collection method: clinical testing. Allele origin: germline.
Comment: This variant is classified as likely benign based on ACMG/AMP sequence variant interpretation guidelines (Richards et al. 2015 PMID: 25741868, with internal and published modifications).

NM_018451.5(CPAP):c.777_781del (p.Ala259_Ser260insTer)

Gene: CPAP (centrosome assembly and centriole elongation protein; minus strand). Cytogenetic location: 13q12.13.
Variant type: Deletion.
Coding change: c.777_781del on transcript NM_018451.5 (MANE Select); coding-DNA positions 777 to 781, 5 bases deleted (GTCTC; older notation c.777_781delGTCTC).
Protein change: p.Ala259_Ser260insTer.
Molecular consequence: frameshift variant. On other transcripts: non-coding transcript variant (2).
Genome position (GRCh38, 1-based): chr13:24,909,874-24,909,878, GAGAC deleted on the plus strand (GTCTC on the coding strand, the reverse complement: CPAP is on the minus strand); deleting any 5 consecutive bases within chr13:24,909,874-24,909,879 gives the same sequence; the c. name uses the placement nearest the transcript's 3' end. VCF-style (leftmost placement, unchanged base first): chr13-24909873-GGAGAC-G. GRCh37 (hg19) VCF-style: chr13-25484011-GGAGAC-G.
Identifiers: ClinVar variation 3038622 (VCV003038622.2), dbSNP rs757244367, ClinGen allele CA6919923.